The following is an entry in ClinVar:

NM_002691.4(POLD1):c.2238_2240delinsTAT (p.Thr747Ile)

Gene: POLD1 (DNA polymerase delta 1, catalytic subunit; plus strand). Cytogenetic location: 19q13.33.
Variant type: Indel.
Coding change: c.2238_2240delinsTAT on transcript NM_002691.4 (MANE Select); coding-DNA positions 2238 to 2240, CAC replaced by TAT.
Protein change: p.Thr747Ile; replaces threonine 747 with isoleucine.
Molecular consequence: missense variant. On other transcripts: non-coding transcript variant (1).
Genome position (GRCh38, 1-based): chr19:50,413,509-50,413,511, CAC replaced by TAT. VCF-style: chr19-50413509-CAC-TAT. GRCh37 (hg19) VCF-style: chr19-50916766-CAC-TAT.
Other names: c.2238_2240delinsTAT, p.Thr747Ile (NM_001256849.1); c.2316_2318delinsTAT, p.Thr773Ile (NM_001308632.1); short protein forms T773I, T747I.
Identifiers: ClinVar variation 3935545 (VCV003935545.1).
Genomic context (GRCh38, chr19:50,413,509, plus strand): 5'-GATGATCGAGAAAACCAAGCAGCTGGTGGAGTCTAAGTACACAGTGGAGAATGGCTACAG[CAC>TAT]CAGTGCCAAGGTCGGGGGCTGCCCACCGCTGCCCTGAGATGGGCCCAGGGCAGGTGGGGG-3'
Protein context (NP_002682.2, residues 737-757): SKYTVENGYS[Thr747Ile]SAKVVYGDTD

ClinVar aggregate classification (germline): Uncertain significance (1 of 4 stars; one submission).

Conditions:
Hereditary cancer-predisposing syndrome. Also called: Tumor predisposition; Hereditary neoplastic syndrome; Hereditary Cancer Syndrome; Neoplastic Syndromes, Hereditary. Identifiers: Orphanet 140162, MedGen C0027672, MeSH D009386, MONDO:0015356.

Submission:

Ambry Genetics
Classification: Uncertain significance for Hereditary cancer-predisposing syndrome. Last evaluated: 2025-04-14. Review status: criteria provided, single submitter. Criteria: Ambry Variant Classification Scheme 2023. Collection method: clinical testing. Allele origin: germline.
Comment: The c.2238_2240delCACinsTAT variant, located in coding exon 17 of the POLD1 gene, results from an in-frame deletion of CAC and insertion of TAT at nucleotide positions 2238 to 2240. This results in the substitution of the threonine residue for an isoleucine residue at codon 747, an amino acid with similar properties. This amino acid position is poorly conserved in available vertebrate species. In addition, this alteration is predicted to be neutral by in silico analysis (Choi Y et al. PLoS ONE. 2012; 7(10):e46688). Based on the available evidence, the clinical significance of this variant remains unclear.